The following is an entry in ClinVar:

NM_144997.7(FLCN):c.792del (p.Cys265fs)

Gene: FLCN (folliculin; minus strand). Cytogenetic location: 17p11.2.
Variant type: Deletion.
Coding change: c.792del on transcript NM_144997.7 (MANE Select); coding-DNA position 792, one base deleted (G; older notation c.792delG).
Protein change: p.Cys265fs; shifts the reading frame from cysteine 265.
Molecular consequence: frameshift variant.
Genome position (GRCh38, 1-based): chr17:17,221,616, C deleted on the plus strand (G on the coding strand, the reverse complement: FLCN is on the minus strand). VCF-style (leftmost placement, unchanged base first): chr17-17221615-AC-A. GRCh37 (hg19) VCF-style: chr17-17124929-AC-A.
Other names: c.846del, p.Cys283fs (NM_001353229.2); c.792del, p.Cys265fs (NM_001353230.2, NM_001353231.2, NM_144606.7); short protein forms C265fs, C283fs.
Identifiers: ClinVar variation 623169 (VCV000623169.7), dbSNP rs1567816339, ClinGen allele CA913191028.

ClinVar aggregate classification (germline): Pathogenic/Likely pathogenic. Review status: criteria provided, multiple submitters, no conflicts (2 of 4 stars). 2 submissions from 2 submitters: Pathogenic (1); Likely pathogenic (1). Last evaluated 2026-02-01.

Conditions:
Birt-Hogg-Dube syndrome. Also called: Birt Hogg Dubé syndrome. Identifiers: Orphanet 122, MedGen C0346010, MONDO:0800444.
Hereditary renal cancer.

Submissions (2):

Labcorp Genetics (formerly Invitae), Labcorp
Classification: Pathogenic for Birt-Hogg-Dube syndrome. Last evaluated: 2026-02-01. Review status: criteria provided, single submitter. Criteria: Invitae Variant Classification Sherloc (09022015). Collection method: clinical testing. Allele origin: germline.
Comment: This sequence change creates a premature translational stop signal (p.Cys265Valfs*5) in the FLCN gene. It is expected to result in an absent or disrupted protein product. Loss-of-function variants in FLCN are known to be pathogenic (PMID: 15852235). This variant is not present in population databases (gnomAD no frequency). This variant has not been reported in the literature in individuals affected with FLCN-related conditions. ClinVar contains an entry for this variant (Variation ID: 623169). For these reasons, this variant has been classified as Pathogenic.

Molecular Diagnostics Laboratory, M Health Fairview: University of Minnesota
Classification: Likely pathogenic for hereditary renal cancer. Last evaluated: 2018-02-28. Review status: criteria provided, single submitter. Criteria: ACMG Guidelines, 2015. Collection method: clinical testing. Allele origin: germline. Affected: yes. Observed: 1 variant allele.

Literature cited by the submitters: PubMed 15852235 (cited by Labcorp Genetics (formerly Invitae), Labcorp).